The following is an entry in ClinVar:

ClinVar aggregate classification (germline): Uncertain significance (1 of 4 stars; one submission).

Conditions:
Familial infantile myasthenia (CMS6). Also called: Congenital myasthenic syndrome type 6; MYASTHENIC SYNDROME, PRESYNAPTIC, CONGENITAL, ASSOCIATED WITH EPISODIC APNEA; MYASTHENIC SYNDROME, CONGENITAL, 6, PRESYNAPTIC. Identifiers: Orphanet 590, MedGen C0393929, MONDO:0009689, OMIM 254210.

Submission:

Labcorp Genetics (formerly Invitae), Labcorp
Classification: Uncertain significance for Familial infantile myasthenia. Last evaluated: 2020-09-17. Review status: criteria provided, single submitter. Criteria: Invitae Variant Classification Sherloc (09022015). Collection method: clinical testing. Allele origin: germline.
Comment: This sequence change replaces arginine with glycine at codon 94 of the CHAT protein (p.Arg94Gly). The arginine residue is weakly conserved and there is a moderate physicochemical difference between arginine and glycine. The frequency data for this variant in the population databases is considered unreliable, as metrics indicate insufficient coverage at this position in the ExAC database. This variant has not been reported in the literature in individuals with CHAT-related conditions. Advanced modeling of protein sequence and biophysical properties (such as structural, functional, and spatial information, amino acid conservation, physicochemical variation, residue mobility, and thermodynamic stability) performed at Invitae indicates that this missense variant is not expected to disrupt CHAT protein function. In summary, the available evidence is currently insufficient to determine the role of this variant in disease. Therefore, it has been classified as a Variant of Uncertain Significance.

NM_020549.5(CHAT):c.280A>G (p.Arg94Gly)

Gene: CHAT (choline O-acetyltransferase; plus strand). Cytogenetic location: 10q11.23.
Variant type: single nucleotide variant.
Coding change: c.280A>G on transcript NM_020549.5 (MANE Select); coding-DNA position 280, A replaced by G.
Protein change: p.Arg94Gly; replaces arginine 94 with glycine.
Molecular consequence: missense variant. On other transcripts: 5 prime UTR variant (4), intron variant (2).
Genome position (GRCh38, 1-based): chr10:49,614,469, A>G. VCF-style: chr10-49614469-A-G. GRCh37 (hg19) VCF-style: chr10-50822515-A-G.
Other names: c.-75A>G (NM_001142929.2, NM_020985.4); c.-37A>G (NM_001142933.2); c.-145A>G (NM_001142934.2); c.-68-2033A>G (NM_020984.4); c.-69+1267A>G (NM_020986.4); short protein forms R94G.
Identifiers: ClinVar variation 1039005 (VCV001039005.8), dbSNP rs1838405822, ClinGen allele CA376725475.